The following is an entry in ClinVar:

NM_019098.5(CNGB3):c.1055+2T>C

Gene: CNGB3 (cyclic nucleotide gated channel subunit beta 3; minus strand). Cytogenetic location: 8q21.3.
Variant type: single nucleotide variant.
Coding change: c.1055+2T>C on transcript NM_019098.5 (MANE Select); the canonical splice donor site of the intron after coding-DNA position 1055, T replaced by C.
Molecular consequence: splice donor variant.
Genome position (GRCh38, 1-based): chr8:86,644,620, A>G on the plus strand (T>C on the coding strand, the complement: CNGB3 is on the minus strand). VCF-style: chr8-86644620-A-G. GRCh37 (hg19) VCF-style: chr8-87656848-A-G.
Identifiers: ClinVar variation 3655737 (VCV003655737.2).

ClinVar aggregate classification (germline): Likely pathogenic (1 of 4 stars; one submission).

Submission:

Labcorp Genetics (formerly Invitae), Labcorp
Classification: Likely pathogenic. Last evaluated: 2024-06-21. Review status: criteria provided, single submitter. Criteria: Invitae Variant Classification Sherloc (09022015). Collection method: clinical testing. Allele origin: germline.
Comment: This sequence change affects a donor splice site in intron 9 of the CNGB3 gene. It is expected to disrupt RNA splicing. Variants that disrupt the donor or acceptor splice site typically lead to a loss of protein function (PMID: 16199547), and loss-of-function variants in CNGB3 are known to be pathogenic (PMID: 28795510). This variant is not present in population databases (gnomAD no frequency). This variant has not been reported in the literature in individuals affected with CNGB3-related conditions. Algorithms developed to predict the effect of sequence changes on RNA splicing suggest that this variant may disrupt the consensus splice site. In summary, the currently available evidence indicates that the variant is pathogenic, but additional data are needed to prove that conclusively. Therefore, this variant has been classified as Likely Pathogenic.

Literature cited by the submitters: PubMed 16199547; PubMed 28795510.